The following is an entry in ClinVar:

ClinVar aggregate classification (germline): Uncertain significance. Review status: criteria provided, multiple submitters, no conflicts (2 of 4 stars). 2 submissions from 2 submitters: Uncertain significance (2). Last evaluated 2022-02-02.

Conditions:
Primary ciliary dyskinesia. Also called: Ciliary dyskinesia. Identifiers: Orphanet 244, MedGen C0008780, MONDO:0016575, HP:0012265.

Allele frequency attached by ClinVar (database versions not stated): gnomAD exomes 0.00001; TOPMed 0.00002.
gnomAD v4.1: 16 of 1,584,962 alleles (0.001%); highest among the groups gnomAD compares: Non-Finnish European, 0.0012%; no homozygotes.

Submissions (2):

Labcorp Genetics (formerly Invitae), Labcorp
Classification: Uncertain significance for Primary ciliary dyskinesia. Last evaluated: 2022-02-02. Review status: criteria provided, single submitter. Criteria: Invitae Variant Classification Sherloc (09022015). Collection method: clinical testing. Allele origin: germline.
Comment: ClinVar contains an entry for this variant (Variation ID: 946264). This variant has not been reported in the literature in individuals affected with DNAAF2-related conditions. This variant is not present in population databases (gnomAD no frequency). This sequence change replaces serine, which is neutral and polar, with phenylalanine, which is neutral and non-polar, at codon 25 of the DNAAF2 protein (p.Ser25Phe). Algorithms developed to predict the effect of missense changes on protein structure and function are either unavailable or do not agree on the potential impact of this missense change (SIFT: "Deleterious"; PolyPhen-2: "Probably Damaging"; Align-GVGD: "Class C0"). In summary, the available evidence is currently insufficient to determine the role of this variant in disease. Therefore, it has been classified as a Variant of Uncertain Significance.

Ambry Genetics
Classification: Uncertain significance for Primary ciliary dyskinesia. Last evaluated: 2019-03-22. Review status: criteria provided, single submitter. Criteria: Ambry Variant Classification Scheme 2023. Collection method: clinical testing. Allele origin: germline.
Comment: The p.S25F variant (also known as c.74C>T), located in coding exon 1 of the DNAAF2 gene, results from a C to T substitution at nucleotide position 74. The serine at codon 25 is replaced by phenylalanine, an amino acid with highly dissimilar properties. This amino acid position is not well conserved in available vertebrate species. In addition, this alteration is predicted to be tolerated by in silico analysis. Since supporting evidence is limited at this time, the clinical significance of this alteration remains unclear.

NM_018139.3(DNAAF2):c.74C>T (p.Ser25Phe)

Gene: DNAAF2 (dynein axonemal assembly factor 2; minus strand). Cytogenetic location: 14q21.3.
Variant type: single nucleotide variant.
Coding change: c.74C>T on transcript NM_018139.3 (MANE Select); coding-DNA position 74, C replaced by T.
Protein change: p.Ser25Phe; replaces serine 25 with phenylalanine.
Molecular consequence: missense variant.
Genome position (GRCh38, 1-based): chr14:49,635,076, G>A on the plus strand (C>T on the coding strand, the complement: DNAAF2 is on the minus strand). VCF-style: chr14-49635076-G-A. GRCh37 (hg19) VCF-style: chr14-50101794-G-A.
Other names: c.74C>T, p.Ser25Phe (NM_001083908.2); short protein forms S25F.
Identifiers: ClinVar variation 946264 (VCV000946264.12), dbSNP rs868381739, ClinGen allele CA389632763.